The following is an entry in ClinVar:

NM_001003800.2(BICD2):c.422G>T (p.Arg141Leu)

Gene: BICD2 (BICD cargo adaptor 2; minus strand). Cytogenetic location: 9q22.31.
Variant type: single nucleotide variant.
Coding change: c.422G>T on transcript NM_001003800.2 (MANE Select); coding-DNA position 422, G replaced by T.
Protein change: p.Arg141Leu; replaces arginine 141 with leucine.
Molecular consequence: missense variant.
Genome position (GRCh38, 1-based): chr9:92,729,055, C>A on the plus strand (G>T on the coding strand, the complement: BICD2 is on the minus strand). VCF-style: chr9-92729055-C-A. GRCh37 (hg19) VCF-style: chr9-95491337-C-A.
Other names: c.422G>T, p.Arg141Leu (NM_015250.4); c.422G>T (NM_001003800.1); short protein forms R141L.
Identifiers: ClinVar variation 1925133 (VCV001925133.6), dbSNP rs754377478, ClinGen allele CA196292549.

ClinVar aggregate classification (germline): Uncertain significance. Review status: criteria provided, multiple submitters, no conflicts (2 of 4 stars). 2 submissions from 2 submitters: Uncertain significance (2). Last evaluated 2025-03-28.

Conditions:
Autosomal dominant childhood-onset proximal spinal muscular atrophy with contractures (SMALED2A). Also called: SPINAL MUSCULAR ATROPHY, LOWER EXTREMITY-PREDOMINANT, 2A, CHILDHOOD ONSET, AUTOSOMAL DOMINANT; Spinal muscular atrophy, lower extremity-predominant, 2A, autosomal dominant. Identifiers: Orphanet 363447, Orphanet 363454, MedGen C4747715, MONDO:0014121, OMIM 615290.
Inborn genetic diseases. Identifiers: MedGen C0950123, MeSH D030342.

Submissions (2):

Ambry Genetics
Classification: Uncertain significance for Inborn genetic diseases. Last evaluated: 2025-03-28. Review status: criteria provided, single submitter. Criteria: Ambry Variant Classification Scheme 2023. Collection method: clinical testing. Allele origin: germline.

Labcorp Genetics (formerly Invitae), Labcorp
Classification: Uncertain significance for Autosomal dominant childhood-onset proximal spinal muscular atrophy with contractures. Last evaluated: 2022-09-23. Review status: criteria provided, single submitter. Criteria: Invitae Variant Classification Sherloc (09022015). Collection method: clinical testing. Allele origin: germline.
Comment: This variant has not been reported in the literature in individuals affected with BICD2-related conditions. In summary, the available evidence is currently insufficient to determine the role of this variant in disease. Therefore, it has been classified as a Variant of Uncertain Significance. Advanced modeling of protein sequence and biophysical properties (such as structural, functional, and spatial information, amino acid conservation, physicochemical variation, residue mobility, and thermodynamic stability) performed at Invitae indicates that this missense variant is expected to disrupt BICD2 protein function. This variant is not present in population databases (gnomAD no frequency). This sequence change replaces arginine, which is basic and polar, with leucine, which is neutral and non-polar, at codon 141 of the BICD2 protein (p.Arg141Leu).